The following is an entry in ClinVar:

ClinVar aggregate classification (germline): Likely pathogenic (1 of 4 stars; one submission).

Conditions:
Congenital muscular dystrophy due to integrin alpha-7 deficiency. Also called: Congenital muscular dystrophy with integrin alpha-7 deficiency; Muscular dystrophy, congenital, due to ITGA7 deficiency; MYOPATHY, CONGENITAL, DUE TO INTEGRIN ALPHA-7 DEFICIENCY. Identifiers: Orphanet 34520, MedGen C2750786, MONDO:0013177, OMIM 613204.

Allele frequency attached by ClinVar (database versions not stated): gnomAD exomes below 0.00001; gnomAD 0.00001.
gnomAD v4.1: 6 of 1,612,914 alleles (0.00037%); highest among the groups gnomAD compares: Non-Finnish European, 0.00051%; no homozygotes.

Submission:

Labcorp Genetics (formerly Invitae), Labcorp
Classification: Likely pathogenic for Congenital muscular dystrophy due to integrin alpha-7 deficiency. Last evaluated: 2024-01-12. Review status: criteria provided, single submitter. Criteria: Invitae Variant Classification Sherloc (09022015). Collection method: clinical testing. Allele origin: germline.
Comment: This sequence change affects an acceptor splice site in intron 14 of the ITGA7 gene. It is expected to disrupt RNA splicing. Variants that disrupt the donor or acceptor splice site typically lead to a loss of protein function (PMID: 16199547), and loss-of-function variants in ITGA7 are known to be pathogenic (PMID: 9590299). This variant is not present in population databases (gnomAD no frequency). This variant has not been reported in the literature in individuals affected with ITGA7-related conditions. Algorithms developed to predict the effect of sequence changes on RNA splicing suggest that this variant may disrupt the consensus splice site. In summary, the currently available evidence indicates that the variant is pathogenic, but additional data are needed to prove that conclusively. Therefore, this variant has been classified as Likely Pathogenic.

Literature cited by the submitters: PubMed 16199547; PubMed 9590299.

NM_002206.3(ITGA7):c.2004-1G>A

Genes: ITGA7 (integrin subunit alpha 7; minus strand), LOC126861535 (CDK7 strongly-dependent group 2 enhancer GRCh37_chr12:56087579-56088778; plus strand). Cytogenetic location: 12q13.2.
Variant type: single nucleotide variant.
Coding change: c.2004-1G>A on transcript NM_002206.3 (MANE Select); the canonical splice acceptor site of the intron before coding-DNA position 2004, G replaced by A.
Molecular consequence: splice acceptor variant. On other transcripts: intron variant (1).
Genome position (GRCh38, 1-based): chr12:55,694,971, C>T on the plus strand (G>A on the coding strand, the complement: ITGA7 is on the minus strand). VCF-style: chr12-55694971-C-T. GRCh37 (hg19) VCF-style: chr12-56088755-C-T.
Other names: c.1725-1G>A (NM_001144997.2); c.1677-1G>A (NM_001367993.1); c.1665-1G>A (NM_001414035.1); c.1821-1G>A (NM_001414033.1); c.660-1G>A (NM_001367994.1); c.1884-1G>A (NM_001414032.1); c.1917-1G>A (NM_001414031.1); c.1986-1G>A (NM_001374465.1); and 5 more.
Identifiers: ClinVar variation 2911269 (VCV002911269.3), dbSNP rs1348062671, ClinGen allele CA385184839.